The following is an entry in ClinVar:

ClinVar aggregate classification (germline): Uncertain significance (1 of 4 stars; one submission).

Submission:

Labcorp Genetics (formerly Invitae), Labcorp
Classification: Uncertain significance. Last evaluated: 2022-03-23. Review status: criteria provided, single submitter. Criteria: Invitae Variant Classification Sherloc (09022015). Collection method: clinical testing. Allele origin: germline.
Comment: In summary, the available evidence is currently insufficient to determine the role of this variant in disease. Therefore, it has been classified as a Variant of Uncertain Significance. Algorithms developed to predict the effect of missense changes on protein structure and function (SIFT, PolyPhen-2, Align-GVGD) all suggest that this variant is likely to be disruptive. This variant has not been reported in the literature in individuals affected with NBAS-related conditions. This variant is not present in population databases (gnomAD no frequency). This sequence change replaces alanine, which is neutral and non-polar, with threonine, which is neutral and polar, at codon 1341 of the NBAS protein (p.Ala1341Thr).

NM_015909.4(NBAS):c.4021G>A (p.Ala1341Thr)

Gene: NBAS (NBAS subunit of NRZ tethering complex; minus strand). Cytogenetic location: 2p24.3.
Variant type: single nucleotide variant.
Coding change: c.4021G>A on transcript NM_015909.4 (MANE Select); coding-DNA position 4021, G replaced by A.
Protein change: p.Ala1341Thr; replaces alanine 1341 with threonine.
Molecular consequence: missense variant. On other transcripts: non-coding transcript variant (1).
Genome position (GRCh38, 1-based): chr2:15,353,621, C>T on the plus strand (G>A on the coding strand, the complement: NBAS is on the minus strand). VCF-style: chr2-15353621-C-T. GRCh37 (hg19) VCF-style: chr2-15493745-C-T.
Other names: short protein forms A1341T.
Identifiers: ClinVar variation 2116129 (VCV002116129.4), dbSNP rs2528580789, ClinGen allele CA345889937.
Genomic context (GRCh38, chr2:15,353,621, plus strand): 5'-GCAGAGAGCTGCTAGCTGCCAAAAGAAGTTCAATGCTGCTAGGAGGGCAATGTGTCAAAG[C>T]AAAAGCCATGAGCTCTTGACGAGTGGCCAAGTCCTGGTAACCTTCTGATTGTCCTAACTG-3'
Protein context (NP_056993.2, residues 1331-1351): LATRQELMAF[Ala1341Thr]LTHCPPSSIE